The following is an entry in ClinVar:

ClinVar aggregate classification (germline): Uncertain significance. Review status: criteria provided, multiple submitters, no conflicts (2 of 4 stars). 2 submissions from 2 submitters: Uncertain significance (2). Last evaluated 2021-04-11.

Allele frequency attached by ClinVar (database versions not stated): gnomAD exomes 0.00007; ExAC 0.00008; TOPMed 0.00008.
gnomAD v4.1: 111 of 1,613,924 alleles (0.0069%); highest among the groups gnomAD compares: Non-Finnish European, 0.0086%; no homozygotes.

Submissions (4):

Labcorp Genetics (formerly Invitae), Labcorp
Classification: Uncertain significance. Last evaluated: 2021-04-11. Review status: criteria provided, single submitter. Criteria: Invitae Variant Classification Sherloc (09022015). Collection method: clinical testing. Allele origin: germline.
Comment: This sequence change falls in intron 9 of the NDE1 gene. It does not directly change the encoded amino acid sequence of the NDE1 protein. It affects a nucleotide within the consensus splice site of the intron. This variant is present in population databases (rs775832591, ExAC 0.01%), including at least one homozygous and/or hemizygous individual. This variant has not been reported in the literature in individuals with NDE1-related conditions. ClinVar contains an entry for this variant (Variation ID: 593307). Nucleotide substitutions within the consensus splice site are a relatively common cause of aberrant splicing (PMID: 17576681, 9536098). Algorithms developed to predict the effect of sequence changes on RNA splicing suggest that this variant may disrupt the consensus splice site, but this prediction has not been confirmed by published transcriptional studies. In summary, the available evidence is currently insufficient to determine the role of this variant in disease. Therefore, it has been classified as a Variant of Uncertain Significance.

Eurofins Ntd Llc (ga)
Classification: Uncertain significance. Last evaluated: 2017-07-28. Review status: criteria provided, single submitter. Criteria: EGL Classification Definitions 2015. Collection method: clinical testing. Allele origin: germline. Observed: 1 variant allele, 1 heterozygote.

Dr. Peter K. Rogan Lab, Western University
No classification provided (evidence only). Condition: Familial cancer of breast. Review status: no classification provided. Collection method: in vitro. Allele origin: not applicable. Functional consequence: retained intron. Not counted in ClinVar's aggregate classification.

Dr. Peter K. Rogan Lab, Western University
No classification provided (evidence only). Condition: Cervical cancer. Review status: no classification provided. Collection method: in vitro. Allele origin: not applicable. Functional consequence: retained intron. Not counted in ClinVar's aggregate classification.

Literature cited by the submitters: PubMed 17576681 (cited by Labcorp Genetics (formerly Invitae), Labcorp); PubMed 9536098 (cited by Labcorp Genetics (formerly Invitae), Labcorp).

NM_017668.3(NDE1):c.947+4A>G

Gene: NDE1 (nudE neurodevelopment protein 1; plus strand). Cytogenetic location: 16p13.11.
Variant type: single nucleotide variant.
Coding change: c.947+4A>G on transcript NM_017668.3 (MANE Select); 4 bases into the intron after coding-DNA position 947, A replaced by G.
Molecular consequence: intron variant.
Genome position (GRCh38, 1-based): chr16:15,696,864, A>G. VCF-style: chr16-15696864-A-G. GRCh37 (hg19) VCF-style: chr16-15790721-A-G.
Other names: c.947+4A>G (NM_001143979.2).
Identifiers: ClinVar variation 593307 (VCV000593307.8), dbSNP rs775832591, ClinGen allele CA7920903.